The following is an entry in ClinVar:

ClinVar aggregate classification (germline): Uncertain significance (1 of 4 stars; one submission).

Conditions:
Hereditary cancer-predisposing syndrome. Also called: Tumor predisposition; Hereditary Cancer Syndrome; Hereditary neoplastic syndrome; Neoplastic Syndromes, Hereditary. Identifiers: Orphanet 140162, MedGen C0027672, MeSH D009386, MONDO:0015356.

Submission:

Ambry Genetics
Classification: Uncertain significance for Hereditary cancer-predisposing syndrome. Last evaluated: 2024-06-18. Review status: criteria provided, single submitter. Criteria: Ambry Variant Classification Scheme 2023. Collection method: clinical testing. Allele origin: germline.
Comment: The p.T2642S variant (also known as c.7924A>T), located in coding exon 15 of the APC gene, results from an A to T substitution at nucleotide position 7924. The threonine at codon 2642 is replaced by serine, an amino acid with similar properties. This amino acid position is conserved. In addition, in silico predictors for this gene do not accurately predict pathogenicity. Based on the available evidence, the clinical significance of this variant remains unclear.

NM_000038.6(APC):c.7924A>T (p.Thr2642Ser)

Gene: APC (APC regulator of Wnt signaling pathway; plus strand). Cytogenetic location: 5q22.2.
Variant type: single nucleotide variant.
Coding change: c.7924A>T on transcript NM_000038.6 (MANE Select); coding-DNA position 7924, A replaced by T.
Protein change: p.Thr2642Ser; replaces threonine 2642 with serine.
Molecular consequence: missense variant. On other transcripts: non-coding transcript variant (2).
Genome position (GRCh38, 1-based): chr5:112,843,518, A>T. VCF-style: chr5-112843518-A-T. GRCh37 (hg19) VCF-style: chr5-112179215-A-T.
Other names: c.7924A>T, p.Thr2642Ser (NM_001127510.3, NM_001354895.2, NM_001407450.1); c.7870A>T, p.Thr2624Ser (NM_001127511.3); c.7978A>T, p.Thr2660Ser (NM_001354896.2, NM_001407447.1, NM_001407448.1 and 1 more transcripts); c.7954A>T, p.Thr2652Ser (NM_001354897.2); c.7849A>T, p.Thr2617Ser (NM_001354898.2); c.7840A>T, p.Thr2614Ser (NM_001354899.2); c.7801A>T, p.Thr2601Ser (NM_001354900.2); c.7747A>T, p.Thr2583Ser (NM_001354901.2, NM_001407453.1); and 11 more; short protein forms T2482S, T2516S, T2541S, T2583S, T2632S, T2635S, T2660S, T2258S.
Identifiers: ClinVar variation 3305926 (VCV003305926.1).